The following is an entry in ClinVar:

ClinVar aggregate classification (germline): Uncertain significance (1 of 4 stars; one submission).

Conditions:
Charcot-Marie-Tooth disease type X. Identifiers: Orphanet 64747, MedGen C4551551, MONDO:0018994.

Allele frequency attached by ClinVar (database versions not stated): TOPMed below 0.00001; ExAC 0.00001; gnomAD exomes 0.00002.
gnomAD v4.1: 16 of 1,211,746 alleles (0.0013%); highest among the groups gnomAD compares: South Asian, 0.0018%; no homozygotes.

Submission:

Diagnostics Services (NGS), CSIR - Centre For Cellular And Molecular Biology
Classification: Uncertain significance for Charcot-Marie-Tooth disease type X. Last evaluated: 2022-06-21. Review status: criteria provided, single submitter. Criteria: ACMG Guidelines, 2015. Collection method: clinical testing. Allele origin: germline. Affected: yes. Observed: 1 variant allele, 1 hemizygote.
Comment: Variations in DRP2 gene (MIM*300052) are known to cause X-linked Charcot-Marie-Tooth disease and associated with familial autism, in literature (PMID: 26227883, 31217940, 29473052, 23999528). The c.2159G>A variant is not present in publicly available population databases like 1000 Genomes, EVS and Indian Exome Database. The heterozygous state of the variant is present in gnomAD, at a low frequency. The variant is not present in our in-house exome database. The variant was not reported to ClinVar, HGMD and/or OMIM databases in any affected individuals. In-silico pathogenicity prediction programs like SIFT, PolyPhen-2, MutationTaster2, CADD, Varsome etc. predicted this variant to be likely deleterious, however these predictions were not confirmed by any published functional studies.

Literature cited by the submitters: PubMed 26227883; PubMed 31217940; PubMed 29473052; PubMed 23999528.

NM_001939.3(DRP2):c.2159G>A (p.Arg720Gln)

Gene: DRP2 (dystrophin related protein 2; plus strand). Cytogenetic location: Xq22.1.
Variant type: single nucleotide variant.
Coding change: c.2159G>A on transcript NM_001939.3 (MANE Select); coding-DNA position 2159, G replaced by A.
Protein change: p.Arg720Gln; replaces arginine 720 with glutamine.
Molecular consequence: missense variant.
Genome position (GRCh38, 1-based): chrX:101,254,903, G>A. VCF-style: chrX-101254903-G-A. GRCh37 (hg19) VCF-style: chrX-100509892-G-A.
Other names: c.1925G>A, p.Arg642Gln (NM_001171184.2); short protein forms R642Q, R720Q.
Identifiers: ClinVar variation 1802194 (VCV001802194.3), dbSNP rs758462829, ClinGen allele CA10472421.